The following is an entry in ClinVar:

ClinVar aggregate classification (germline): Uncertain significance (1 of 4 stars; one submission).

Conditions:
Primary ciliary dyskinesia. Also called: Ciliary dyskinesia. Identifiers: Orphanet 244, MedGen C0008780, MONDO:0016575, HP:0012265.

Allele frequency attached by ClinVar (database versions not stated): TOPMed below 0.00001; gnomAD exomes 0.00001.
gnomAD v4.1: 6 of 1,613,596 alleles (0.00037%); highest among the groups gnomAD compares: Non-Finnish European, 0.00051%; no homozygotes.

Submission:

Labcorp Genetics (formerly Invitae), Labcorp
Classification: Uncertain significance for Primary ciliary dyskinesia. Last evaluated: 2022-10-25. Review status: criteria provided, single submitter. Criteria: Invitae Variant Classification Sherloc (09022015). Collection method: clinical testing. Allele origin: germline.
Comment: This sequence change replaces leucine, which is neutral and non-polar, with glutamine, which is neutral and polar, at codon 931 of the DNAH11 protein (p.Leu931Gln). This variant is not present in population databases (gnomAD no frequency). This variant has not been reported in the literature in individuals affected with DNAH11-related conditions. Advanced modeling of protein sequence and biophysical properties (such as structural, functional, and spatial information, amino acid conservation, physicochemical variation, residue mobility, and thermodynamic stability) performed at Invitae indicates that this missense variant is not expected to disrupt DNAH11 protein function. In summary, the available evidence is currently insufficient to determine the role of this variant in disease. Therefore, it has been classified as a Variant of Uncertain Significance.

NM_001277115.2(DNAH11):c.2792T>A (p.Leu931Gln)

Gene: DNAH11 (dynein axonemal heavy chain 11; plus strand). Cytogenetic location: 7p15.3.
Variant type: single nucleotide variant.
Coding change: c.2792T>A on transcript NM_001277115.2 (MANE Select); coding-DNA position 2792, T replaced by A.
Protein change: p.Leu931Gln; replaces leucine 931 with glutamine.
Molecular consequence: missense variant.
Genome position (GRCh38, 1-based): chr7:21,599,911, T>A. VCF-style: chr7-21599911-T-A. GRCh37 (hg19) VCF-style: chr7-21639529-T-A.
Other names: c.2792T>A, p.Leu931Gln (NM_003777.3); short protein forms L931Q.
Identifiers: ClinVar variation 2167102 (VCV002167102.1), dbSNP rs1450132388, ClinGen allele CA366944422.